The following is an entry in ClinVar:

NM_001365902.3(NFIX):c.1115C>T (p.Pro372Leu)

Gene: NFIX (nuclear factor I X; plus strand). Cytogenetic location: 19p13.13.
Variant type: single nucleotide variant.
Coding change: c.1115C>T on transcript NM_001365902.3 (MANE Select); coding-DNA position 1115, C replaced by T.
Protein change: p.Pro372Leu; replaces proline 372 with leucine.
Molecular consequence: missense variant.
Genome position (GRCh38, 1-based): chr19:13,081,716, C>T. VCF-style: chr19-13081716-C-T. GRCh37 (hg19) VCF-style: chr19-13192530-C-T.
Other names: c.1139C>T, p.Pro380Leu (NM_001271043.2); c.1091C>T, p.Pro364Leu (NM_001271044.3, NM_001378404.1); c.992C>T, p.Pro331Leu (NM_001365982.2); c.974C>T, p.Pro325Leu (NM_001365983.2); c.1112C>T, p.Pro371Leu (NM_001365984.2, NM_001365985.2); c.1163C>T, p.Pro388Leu (NM_001378405.1); c.1115C>T, p.Pro372Leu (NM_002501.4); short protein forms P325L, P331L, P364L, P371L, P372L, P380L, P388L.
Identifiers: ClinVar variation 3760262 (VCV003760262.2).
Genomic context (GRCh38, chr19:13,081,716, plus strand): 5'-TTTTCCCTGCCCACGTGCATGCAGGGAGCCCCCGGGCCACAGCATCAGCCCTGCACTTCC[C>T]CTCCACGTCCATCATCCAGCAGTCGAGCCCGTATTTCACGCACCCGACCATCCGCTACCA-3'
Protein context (NP_001352831.1, residues 362-382): PRATASALHF[Pro372Leu]STSIIQQSSP

ClinVar aggregate classification (germline): Uncertain significance (1 of 4 stars; one submission).

Conditions:
Marshall-Smith syndrome (MRSHSS). Identifiers: Orphanet 561, MedGen C0265211, MONDO:0011244, OMIM 602535.
Malan overgrowth syndrome (MALNS). Also called: NFIX-Related Malan Syndrome; MALAN SYNDROME; Sotos syndrome 2. Identifiers: Orphanet 420179, MedGen C3553660, MONDO:0013885, OMIM 614753.

Submission:

Labcorp Genetics (formerly Invitae), Labcorp
Classification: Uncertain significance for Malan overgrowth syndrome; Marshall-Smith syndrome. Last evaluated: 2025-01-12. Review status: criteria provided, single submitter. Criteria: Invitae Variant Classification Sherloc (09022015). Collection method: clinical testing. Allele origin: germline.
Comment: This sequence change replaces proline, which is neutral and non-polar, with leucine, which is neutral and non-polar, at codon 380 of the NFIX protein (p.Pro380Leu). This variant is not present in population databases (gnomAD no frequency). This variant has not been reported in the literature in individuals affected with NFIX-related conditions. Experimental studies and prediction algorithms are not available or were not evaluated, and the functional significance of this variant is currently unknown. In summary, the available evidence is currently insufficient to determine the role of this variant in disease. Therefore, it has been classified as a Variant of Uncertain Significance.